The following is an entry in ClinVar:

ClinVar aggregate classification (germline): Uncertain significance (1 of 4 stars; one submission).

Conditions:
Hereditary cancer-predisposing syndrome. Also called: Neoplastic Syndromes, Hereditary; Tumor predisposition; Hereditary neoplastic syndrome; Hereditary Cancer Syndrome. Identifiers: Orphanet 140162, MedGen C0027672, MeSH D009386, MONDO:0015356.

Submission:

Ambry Genetics
Classification: Uncertain significance for Hereditary cancer-predisposing syndrome. Last evaluated: 2026-08-20. Review status: criteria provided, single submitter. Criteria: Ambry Variant Classification Scheme 2023. Collection method: clinical testing. Allele origin: germline.
Comment: The p.P568H variant (also known as c.1703C>A), located in coding exon 18 of the RB1 gene, results from a C to A substitution at nucleotide position 1703. The proline at codon 568 is replaced by histidine, an amino acid with similar properties. This amino acid position is conserved. In addition, this alteration is predicted to be deleterious by in silico analysis. Based on the available evidence, the clinical significance of this variant remains unclear.

NM_000321.3(RB1):c.1703C>A (p.Pro568His)

Gene: RB1 (RB transcriptional corepressor 1; plus strand). Cytogenetic location: 13q14.2.
Variant type: single nucleotide variant.
Coding change: c.1703C>A on transcript NM_000321.3 (MANE Select); coding-DNA position 1703, C replaced by A.
Protein change: p.Pro568His; replaces proline 568 with histidine.
Molecular consequence: missense variant.
Genome position (GRCh38, 1-based): chr13:48,453,000, C>A. VCF-style: chr13-48453000-C-A. GRCh37 (hg19) VCF-style: chr13-49027136-C-A.
Other names: c.1703C>A, p.Pro568His (NM_001407165.1); short protein forms P568H.
Identifiers: ClinVar variation 5027984 (VCV005027984.1).
Genomic context (GRCh38, chr13:48,453,000, plus strand): 5'-CTGGGAAAATTATGCTTACTAATGTGGTTTTAATTTCATCATGTTTCATATAGGATTCAC[C>A]TTTATTTGATCTTATTAAACAATCAAAGGACCGAGAAGGACCAACTGATCACCTTGAATC-3'
Protein context (NP_000312.2, residues 558-578): MESLAWLSDS[Pro568His]LFDLIKQSKD